The following is an entry in ClinVar:

NM_145868.2(ANXA11):c.223C>T (p.Pro75Ser)

Gene: ANXA11 (annexin A11; minus strand). Cytogenetic location: 10q22.3.
Variant type: single nucleotide variant.
Coding change: c.223C>T on transcript NM_145868.2 (MANE Select); coding-DNA position 223, C replaced by T.
Protein change: p.Pro75Ser; replaces proline 75 with serine.
Molecular consequence: missense variant.
Genome position (GRCh38, 1-based): chr10:80,169,307, G>A on the plus strand (C>T on the coding strand, the complement: ANXA11 is on the minus strand). VCF-style: chr10-80169307-G-A. GRCh37 (hg19) VCF-style: chr10-81929063-G-A.
Other names: c.223C>T, p.Pro75Ser (NM_001157.3, NM_001278407.2, NM_001278408.2 and 1 more transcripts); c.124C>T, p.Pro42Ser (NM_001278409.2); c.223C>T (NM_145869.1); short protein forms P42S, P75S.
Identifiers: ClinVar variation 4531569 (VCV004531569.2).
Genomic context (GRCh38, chr10:80,169,307, plus strand): 5'-AGGGGGGCTGCCCAAAGCCGCCAGGGGGCACTGGTGGGTAGCCAGCCCCAGGGGCCCCAG[G>A]GTACAGGTTGGGCATGTTGGCTCCTCCAAATGTCCCAGACATGTTGGCCGCCTGCAAGGA-3'
Protein context (NP_665875.1, residues 65-85): FGGANMPNLY[Pro75Ser]GAPGAGYPPV

ClinVar aggregate classification (germline): Uncertain significance. Review status: criteria provided, multiple submitters, no conflicts (2 of 4 stars). 2 submissions from 2 submitters: Uncertain significance (2). Last evaluated 2025-01-22.

Conditions:
ANXA11-related disorder. Also called: ANXA11-related condition.
Amyotrophic lateral sclerosis type 23. Identifiers: MedGen C4693381, MONDO:0027694, OMIM 617839.

Submissions (2):

Victorian Clinical Genetics Services, Murdoch Childrens Research Institute
Classification: Uncertain significance for Amyotrophic lateral sclerosis type 23. Last evaluated: 2025-01-22. Review status: criteria provided, single submitter. Criteria: ACMG Guidelines, 2015. Collection method: clinical testing. Allele origin: germline. Affected: yes.
Comment: This variant is classified as VUS-3A. Evidence in support of pathogenic classification: Variant is absent from gnomAD (v2, v3 and v4); This variant has limited previous evidence of pathogenicity in an unrelated individual. This variant has been reported in the literature in an individual with cognitive and behavioural difficulties, regression of speech and executive dysfunction, and parkinsonism (PMID: 38896345). Evidence in support of benign classification: Missense variant predicted to be tolerated by in silico tool(s) or not conserved in placental mammals with a minor amino acid change. Additional information: Variant is predicted to result in a missense amino acid change from proline to serine; This variant is heterozygous; This gene is associated with autosomal dominant disease; Alternative amino acid change(s) at the same position are present in gnomAD (Highest alelle count: v4: 3 heterozygote(s), 0 homozygote(s)) ; No published segregation evidence has been identified for this variant; No comparable missense variants have previous evidence for pathogenicity; Variant is not located in an established domain, motif, hotspot or informative constraint region; The mechanism of disease for this gene is not clearly established. Toxic gain of function is a suggested mechanism, however, loss of function has not been excluded (PMID: 33087501); Inheritance information for this variant is not currently available in this individual.

PreventionGenetics, part of Exact Sciences
Classification: Uncertain significance for ANXA11-related condition. Last evaluated: 2024-11-06. Review status: criteria provided, single submitter. Criteria: ACMG Guidelines, 2015. Collection method: clinical testing. Allele origin: germline.
Comment: The ANXA11 c.223C>T variant is predicted to result in the amino acid substitution p.Pro75Ser. This variant was reported in an individual with progressive supranuclear palsy (Robinson et al. 2024. PubMed ID: 38896345). This variant has not been reported in a large population database (gnomAD), indicating this variant is rare. At this time, the clinical significance of this variant is uncertain due to the absence of conclusive functional and genetic evidence.

Literature cited by the submitters: PubMed 38896345 (cited by Victorian Clinical Genetics Services, Murdoch Childrens Research Institute); PubMed 33087501 (cited by Victorian Clinical Genetics Services, Murdoch Childrens Research Institute).